The following is an entry in ClinVar:

NM_006440.5(TXNRD2):c.103G>C (p.Ala35Pro)

Genes: TXNRD2 (thioredoxin reductase 2; minus strand), LOC130066960 (ATAC-STARR-seq lymphoblastoid silent region 13467; plus strand). Cytogenetic location: 22q11.21.
Variant type: single nucleotide variant.
Coding change: c.103G>C on transcript NM_006440.5 (MANE Select); coding-DNA position 103, G replaced by C.
Protein change: p.Ala35Pro; replaces alanine 35 with proline.
Molecular consequence: missense variant. On other transcripts: non-coding transcript variant (1).
Genome position (GRCh38, 1-based): chr22:19,941,701, C>G on the plus strand (G>C on the coding strand, the complement: TXNRD2 is on the minus strand). VCF-style: chr22-19941701-C-G. GRCh37 (hg19) VCF-style: chr22-19929224-C-G.
Other names: c.103G>C, p.Ala35Pro (NM_001282512.3); c.103G>C, p.Gly35Arg (NM_001352300.2); short protein forms A35P, G35R.
Identifiers: ClinVar variation 2151411 (VCV002151411.4), dbSNP rs1941724119, ClinGen allele CA410699956.

ClinVar aggregate classification (germline): Uncertain significance (1 of 4 stars; one submission).

Conditions:
Primary dilated cardiomyopathy (DCM). Also called: Dilated Cardiomyopathy. Identifiers: Orphanet 217604, MedGen C0007193, MeSH D002311, MONDO:0005021, HP:0001644. Inheritance: Various modes of inheritance.

Allele frequency attached by ClinVar (database versions not stated): gnomAD 0.00001.

Submission:

Labcorp Genetics (formerly Invitae), Labcorp
Classification: Uncertain significance for Primary dilated cardiomyopathy. Last evaluated: 2022-08-31. Review status: criteria provided, single submitter. Criteria: Invitae Variant Classification Sherloc (09022015). Collection method: clinical testing. Allele origin: germline.
Comment: This sequence change replaces alanine, which is neutral and non-polar, with proline, which is neutral and non-polar, at codon 35 of the TXNRD2 protein (p.Ala35Pro). This variant also falls at the last nucleotide of exon 1, which is part of the consensus splice site for this exon. This variant is not present in population databases (gnomAD no frequency). In summary, the available evidence is currently insufficient to determine the role of this variant in disease. Therefore, it has been classified as a Variant of Uncertain Significance. Variants that disrupt the consensus splice site are a relatively common cause of aberrant splicing (PMID: 17576681, 9536098). Algorithms developed to predict the effect of sequence changes on RNA splicing suggest that this variant may disrupt the consensus splice site. Algorithms developed to predict the effect of missense changes on protein structure and function (SIFT, PolyPhen-2, Align-GVGD) all suggest that this variant is likely to be tolerated. This variant has not been reported in the literature in individuals affected with TXNRD2-related conditions.

Literature cited by the submitters: PubMed 17576681; PubMed 9536098.